The following is an entry in ClinVar:

ClinVar aggregate classification (germline): Uncertain significance (1 of 4 stars; one submission).

gnomAD v4.1: 4 of 1,614,090 alleles (0.00025%); highest among the groups gnomAD compares: Non-Finnish European, 0.00025%; no homozygotes.

Submission:

Labcorp Genetics (formerly Invitae), Labcorp
Classification: Uncertain significance. Last evaluated: 2025-04-09. Review status: criteria provided, single submitter. Criteria: Invitae Variant Classification Sherloc (09022015). Collection method: clinical testing. Allele origin: germline.
Comment: This sequence change replaces proline, which is neutral and non-polar, with serine, which is neutral and polar, at codon 396 of the GCM2 protein (p.Pro396Ser). This variant is not present in population databases (gnomAD no frequency). This variant has not been reported in the literature in individuals affected with GCM2-related conditions. Invitae Evidence Modeling of protein sequence and biophysical properties (such as structural, functional, and spatial information, amino acid conservation, physicochemical variation, residue mobility, and thermodynamic stability) indicates that this missense variant is not expected to disrupt GCM2 protein function with a negative predictive value of 80%. In summary, the available evidence is currently insufficient to determine the role of this variant in disease. Therefore, it has been classified as a Variant of Uncertain Significance.

NM_004752.4(GCM2):c.1186C>T (p.Pro396Ser)

Gene: GCM2 (glial cells missing transcription factor 2; minus strand). Cytogenetic location: 6p24.2.
Variant type: single nucleotide variant.
Coding change: c.1186C>T on transcript NM_004752.4 (MANE Select); coding-DNA position 1186, C replaced by T.
Protein change: p.Pro396Ser; replaces proline 396 with serine.
Molecular consequence: missense variant.
Genome position (GRCh38, 1-based): chr6:10,874,330, G>A on the plus strand (C>T on the coding strand, the complement: GCM2 is on the minus strand). VCF-style: chr6-10874330-G-A. GRCh37 (hg19) VCF-style: chr6-10874563-G-A.
Other names: short protein forms P396S.
Identifiers: ClinVar variation 4769497 (VCV004769497.1).
Genomic context (GRCh38, chr6:10,874,330, plus strand): 5'-AGTTACAGCTCGAAAGGCTCTTCACCTCTCGCACACTGTCACTGTATTTCATAGCAGGGG[G>A]CTGGTAGGCCTGGTAGGACACTTTAGTGGTGGTGGTGATCACGGTTTGTAGGGCAGGGGC-3'
Protein context (NP_004743.1, residues 386-406): TTKVSYQAYQ[Pro396Ser]PAMKYSDSVR